The following is an entry in ClinVar:

ClinVar aggregate classification (germline): Conflicting classifications of pathogenicity. Review status: criteria provided, conflicting classifications (1 of 4 stars). 7 submissions from 7 submitters: Uncertain significance (6); Likely benign (1). Last evaluated 2026-04-05.

Conditions:
Collagen 6-related myopathy. Identifiers: MedGen CN117976, MONDO:0100225.
Bethlem myopathy 1A. Also called: MYOPATHY, BENIGN CONGENITAL, WITH CONTRACTURES; Bethlem myopathy 1; Bethlem Muscular Dystrophy. Identifiers: Orphanet 610, MedGen CN029274, MONDO:0024530, OMIM 158810.
COL6A3-related disorder. Also called: COL6A3-related disorders; COL6A3-related condition.

Allele frequency attached by ClinVar (database versions not stated): ExAC 0.00003; gnomAD exomes 0.00004; gnomAD 0.00006; TOPMed 0.00009; ESP Exome Variant Server 0.00015.
gnomAD v4.1: 116 of 1,613,904 alleles (0.0072%); highest among the groups gnomAD compares: Non-Finnish European, 0.0091%; no homozygotes.

Submissions (7):

PreventionGenetics, part of Exact Sciences
Classification: Uncertain significance for COL6A3-related condition. Last evaluated: 2026-04-05. Review status: criteria provided, single submitter. Criteria: ACMG Guidelines, 2015. Collection method: clinical testing. Allele origin: germline.
Comment: The COL6A3 c.461C>T variant is predicted to result in the amino acid substitution p.Ser154Leu. To our knowledge, this variant has not been reported in individuals with COL6A3-related diseases in the literature. This variant is reported in 0.0078% of alleles in individuals of European (Non-Finnish) descent in gnomAD. At this time, the clinical significance of this variant is uncertain due to the absence of conclusive functional and genetic evidence.

Labcorp Genetics (formerly Invitae), Labcorp
Classification: Likely benign for Bethlem myopathy 1A. Last evaluated: 2025-04-17. Review status: criteria provided, single submitter. Criteria: Invitae Variant Classification Sherloc (09022015). Collection method: clinical testing. Allele origin: germline.

Mayo Clinic Laboratories, Mayo Clinic
Classification: Uncertain significance. Last evaluated: 2025-04-15. Review status: criteria provided, single submitter. Criteria: ACMG Guidelines, 2015. Collection method: clinical testing. Allele origin: germline. Observed: 2 variant alleles.

Revvity Omics, Revvity
Classification: Uncertain significance. Last evaluated: 2023-08-17. Review status: criteria provided, single submitter. Criteria: ACMG Guidelines, 2015. Collection method: clinical testing. Allele origin: germline.

GeneDx
Classification: Uncertain significance. Last evaluated: 2021-07-02. Review status: criteria provided, single submitter. Criteria: GeneDx Variant Classification Process June 2021. Collection method: clinical testing. Allele origin: germline. Affected: yes.
Comment: In silico analysis supports that this missense variant has a deleterious effect on protein structure/function; Has not been previously published as pathogenic or benign to our knowledge; This variant is associated with the following publications: (PMID: 27535533)

Illumina Laboratory Services, Illumina
Classification: Uncertain significance for Collagen VI-related myopathy. Last evaluated: 2018-01-13. Review status: criteria provided, single submitter. Criteria: ICSL Variant Classification Criteria 13 December 2019. Collection method: clinical testing. Allele origin: germline.

Eurofins Ntd Llc (ga)
Classification: Uncertain significance. Last evaluated: 2016-10-05. Review status: criteria provided, single submitter. Criteria: EGL Classification Definitions 2015. Collection method: clinical testing. Allele origin: germline. Observed: 3 variant alleles, 3 heterozygotes.

Literature cited by the submitters: PubMed 33057194 (cited by Mayo Clinic Laboratories, Mayo Clinic); PubMed 35982159 (cited by Mayo Clinic Laboratories, Mayo Clinic).

NM_004369.4(COL6A3):c.461C>T (p.Ser154Leu)

Gene: COL6A3 (collagen type VI alpha 3 chain; minus strand). Cytogenetic location: 2q37.3.
Variant type: single nucleotide variant.
Coding change: c.461C>T on transcript NM_004369.4 (MANE Select); coding-DNA position 461, C replaced by T.
Protein change: p.Ser154Leu; replaces serine 154 with leucine.
Molecular consequence: missense variant. On other transcripts: intron variant (4).
Genome position (GRCh38, 1-based): chr2:237,394,835, G>A on the plus strand (C>T on the coding strand, the complement: COL6A3 is on the minus strand). VCF-style: chr2-237394835-G-A. GRCh37 (hg19) VCF-style: chr2-238303478-G-A.
Other names: c.91+1892C>T (NM_057166.5, NM_057167.4, NM_057164.5 and 1 more transcripts); short protein forms S154L.
Identifiers: ClinVar variation 335145 (VCV000335145.25), dbSNP rs147701785, ClinGen allele CA2189862.